The following is an entry in ClinVar:

NM_001807.6(CEL):c.1333C>G (p.Pro445Ala)

Gene: CEL (carboxyl ester lipase; plus strand). Cytogenetic location: 9q34.13.
Variant type: single nucleotide variant.
Coding change: c.1333C>G on transcript NM_001807.6 (MANE Select); coding-DNA position 1333, C replaced by G.
Protein change: p.Pro445Ala; replaces proline 445 with alanine.
Molecular consequence: missense variant.
Genome position (GRCh38, 1-based): chr9:133,070,507, C>G. VCF-style: chr9-133070507-C-G. GRCh37 (hg19) VCF-style: chr9-135945894-C-G.
Other names: short protein forms P445A.
Identifiers: ClinVar variation 1338609 (VCV001338609.4), dbSNP rs751702926, ClinGen allele CA5303327.

ClinVar aggregate classification (germline): Uncertain significance (1 of 4 stars; one submission).

Allele frequency attached by ClinVar (database versions not stated): gnomAD 0.00002; gnomAD exomes 0.00002 and 0.00008; TOPMed 0.00002; ExAC 0.00009.
gnomAD v4.1: 25 of 1,613,856 alleles (0.0015%); highest among the groups gnomAD compares: Admixed American, 0.037%; no homozygotes.

Submission:

Genetic Services Laboratory, University of Chicago
Classification: Uncertain significance. Last evaluated: 2020-09-23. Review status: criteria provided, single submitter. Criteria: ACMG Guidelines, 2015. Collection method: clinical testing. Allele origin: germline. Affected: no.
Comment: DNA sequence analysis of the CEL gene demonstrated a sequence change, c.1342C>G, in exon 10 that results in an amino acid change, p.Pro448Ala. This sequence change does not appear to have been previously described in patients with CEL-related disorders and has been described in the gnomAD database with a low population frequency of 0.057% in Latio subpopulation (dbSNP rs751702926). The p.Pro448Ala change affects a highly conserved amino acid residue located in a domain of the CEL protein that is known to be functional. The p.Pro448Ala substitution appears to be benign using several in-silico pathogenicity prediction tools (SIFT, PolyPhen2, Align GVGD, REVEL). Due to these contrasting evidences and the lack of functional studies, the clinical significance of the p.Pro448Ala change remains unknown at this time.